The following is an entry in ClinVar:

ClinVar aggregate classification (germline): Uncertain significance (1 of 4 stars; one submission).

Submission:

Labcorp Genetics (formerly Invitae), Labcorp
Classification: Uncertain significance. Last evaluated: 2025-06-19. Review status: criteria provided, single submitter. Criteria: Invitae Variant Classification Sherloc (09022015). Collection method: clinical testing. Allele origin: germline.
Comment: This sequence change replaces threonine, which is neutral and polar, with isoleucine, which is neutral and non-polar, at codon 93 of the FAN1 protein (p.Thr93Ile). This variant is present in population databases (rs540082406, gnomAD 0.2%). This missense change has been observed in individual(s) with FAN1-related conditions (PMID: 36938085). An algorithm developed to predict the effect of missense changes on protein structure and function (PolyPhen-2) suggests that this variant is likely to be tolerated. In summary, the available evidence is currently insufficient to determine the role of this variant in disease. Therefore, it has been classified as a Variant of Uncertain Significance.

Literature cited by the submitters: PubMed 36938085.

NM_014967.5(FAN1):c.278C>T (p.Thr93Ile)

Gene: FAN1 (FANCD2 and FANCI associated nuclease 1; plus strand). Cytogenetic location: 15q13.3.
Variant type: single nucleotide variant.
Coding change: c.278C>T on transcript NM_014967.5 (MANE Select); coding-DNA position 278, C replaced by T.
Protein change: p.Thr93Ile; replaces threonine 93 with isoleucine.
Molecular consequence: missense variant.
Genome position (GRCh38, 1-based): chr15:30,904,941, C>T. VCF-style: chr15-30904941-C-T. GRCh37 (hg19) VCF-style: chr15-31197144-C-T.
Other names: c.278C>T, p.Thr93Ile (NM_001146094.2, NM_001146095.1, NM_001146096.2); short protein forms T93I.
Identifiers: ClinVar variation 4730141 (VCV004730141.1).